The following is an entry in ClinVar:

NM_000168.6(GLI3):c.4342G>A (p.Val1448Met)

Gene: GLI3 (GLI family zinc finger 3; minus strand). Cytogenetic location: 7p14.1.
Variant type: single nucleotide variant.
Coding change: c.4342G>A on transcript NM_000168.6 (MANE Select); coding-DNA position 4342, G replaced by A.
Protein change: p.Val1448Met; replaces valine 1448 with methionine.
Molecular consequence: missense variant.
Genome position (GRCh38, 1-based): chr7:41,964,731, C>T on the plus strand (G>A on the coding strand, the complement: GLI3 is on the minus strand). VCF-style: chr7-41964731-C-T. GRCh37 (hg19) VCF-style: chr7-42004329-C-T.
Other names: short protein forms V1448M.
Identifiers: ClinVar variation 910636 (VCV000910636.8), dbSNP rs778526954, ClinGen allele CA4230149.
Genomic context (GRCh38, chr7:41,964,731, plus strand): 5'-GGCAGCTGGCGTCTGAAATAGAGAATGAACCAGCTTTCGTGTCTTGCTGACTGAAGCCCA[C>T]GGTTTGGTCATAGAACTGACCAGAGTAATTCTGCAGATTAGAGCACAGCGGATGGGGCTG-3'
Protein context (NP_000159.3, residues 1438-1458): NYSGQFYDQT[Val1448Met]GFSQQDTKAG

ClinVar aggregate classification (germline): Likely benign. Review status: criteria provided, multiple submitters, no conflicts (2 of 4 stars). 6 submissions from 4 submitters: Likely benign (6). Last evaluated 2023-01-18.

Conditions:
Inborn genetic diseases. Identifiers: MedGen C0950123, MeSH D030342.
Dystonia, early-onset, and/or spastic paraplegia. Identifiers: MedGen C5562051, MONDO:0859215, OMIM 619681.
Polydactyly. Also called: polydactylism. Identifiers: MedGen C0152427, MONDO:0021003, OMIM 603596, HP:0010442.
Greig cephalopolysyndactyly syndrome (GCPS). Also called: GLI3-Related Greig Cephalopolysyndactyly Syndrome; Greig syndrome; POLYSYNDACTYLY WITH PECULIAR SKULL SHAPE. Identifiers: Orphanet 380, MedGen C0265306, MONDO:0008287, OMIM 175700.
Pallister-Hall syndrome (PHS). Also called: HYPOTHALAMIC HAMARTOBLASTOMA, HYPOPITUITARISM, IMPERFORATE ANUS, AND POSTAXIAL POLYDACTYLY; GLI3-Related Pallister-Hall Syndrome. Identifiers: Orphanet 672, MedGen C0265220, MONDO:0007804, OMIM 146510.

Allele frequency attached by ClinVar (database versions not stated): gnomAD 0.00001; gnomAD exomes 0.00001; TOPMed 0.00001; ExAC 0.00002.
gnomAD v4.1: 26 of 1,613,888 alleles (0.0016%); highest among the groups gnomAD compares: Middle Eastern, 0.016%; no homozygotes.

Submissions (6):

Ambry Genetics
Classification: Likely benign for Inborn genetic diseases. Last evaluated: 2023-01-18. Review status: criteria provided, single submitter. Criteria: Ambry Variant Classification Scheme 2023. Collection method: clinical testing. Allele origin: germline.

Blueprint Genetics
Classification: Likely benign. Last evaluated: 2022-03-11. Review status: criteria provided, single submitter. Criteria: ACMG Guidelines, 2015. Collection method: clinical testing. Allele origin: germline.

Cambridge Genomics Laboratory, East Genomic Laboratory Hub, NHS Genomic Medicine Service
Classification: Likely benign for Dystonia, early-onset, and/or spastic paraplegia. Last evaluated: 2019-05-16. Review status: criteria provided, single submitter. Criteria: ACGS Best Practice Guidelines for Variant Classification in Rare Disease 2020. Collection method: clinical testing. Allele origin: germline. Affected: yes. Observed: 1 variant allele.

Illumina Laboratory Services, Illumina
Classification: Likely benign for Greig cephalopolysyndactyly syndrome. Last evaluated: 2018-01-13. Review status: criteria provided, single submitter. Criteria: ICSL Variant Classification Criteria 13 December 2019. Collection method: clinical testing. Allele origin: germline.
Comment: This variant was observed in the ICSL laboratory as part of a predisposition screen in an ostensibly healthy population. It had not been previously curated by ICSL or reported in the Human Gene Mutation Database (HGMD: prior to June 1st, 2018), and was therefore a candidate for classification through an automated scoring system. Utilizing variant allele frequency, disease prevalence and penetrance estimates, and inheritance mode, an automated score was calculated to assess if this variant is too frequent to cause the disease. Based on the score and internal cut-off values, a variant classified as likely benign is not then subjected to further curation. The score for this variant resulted in a classification of likely benign for this disease.

Illumina Laboratory Services, Illumina
Classification: Likely benign for Polydactyly. Last evaluated: 2018-01-13. Review status: criteria provided, single submitter. Criteria: ICSL Variant Classification Criteria 13 December 2019. Collection method: clinical testing. Allele origin: germline.
Comment: the same text as in the submission from Illumina Laboratory Services, Illumina above.

Illumina Laboratory Services, Illumina
Classification: Likely benign for Pallister-Hall syndrome. Last evaluated: 2018-01-13. Review status: criteria provided, single submitter. Criteria: ICSL Variant Classification Criteria 13 December 2019. Collection method: clinical testing. Allele origin: germline.
Comment: the same text as in the submission from Illumina Laboratory Services, Illumina above.